The following is an entry in ClinVar:

NM_006231.4(POLE):c.3379A>T (p.Ile1127Phe)

Gene: POLE (DNA polymerase epsilon, catalytic subunit; minus strand). Cytogenetic location: 12q24.33.
Variant type: single nucleotide variant.
Coding change: c.3379A>T on transcript NM_006231.4 (MANE Select); coding-DNA position 3379, A replaced by T.
Protein change: p.Ile1127Phe; replaces isoleucine 1127 with phenylalanine.
Molecular consequence: missense variant.
Genome position (GRCh38, 1-based): chr12:132,657,429, T>A on the plus strand (A>T on the coding strand, the complement: POLE is on the minus strand). VCF-style: chr12-132657429-T-A. GRCh37 (hg19) VCF-style: chr12-133234015-T-A.
Other names: short protein forms I1127F.
Identifiers: ClinVar variation 2447915 (VCV002447915.6), dbSNP rs2542003011, ClinGen allele CA387389558.

ClinVar aggregate classification (germline): Uncertain significance. Review status: criteria provided, multiple submitters, no conflicts (2 of 4 stars). 2 submissions from 2 submitters: Uncertain significance (2). Last evaluated 2025-05-16.

Conditions:
Hereditary cancer-predisposing syndrome. Also called: Neoplastic Syndromes, Hereditary; Hereditary Cancer Syndrome; Tumor predisposition; Hereditary neoplastic syndrome. Identifiers: Orphanet 140162, MedGen C0027672, MeSH D009386, MONDO:0015356.

gnomAD v4.1: 1 of 1,614,022 alleles (0.000062%); no homozygotes.

Submissions (2):

Ambry Genetics
Classification: Uncertain significance for Hereditary cancer-predisposing syndrome. Last evaluated: 2025-05-16. Review status: criteria provided, single submitter. Criteria: Ambry Variant Classification Scheme 2023. Collection method: clinical testing. Allele origin: germline.
Comment: The p.I1127F variant (also known as c.3379A>T) is located in coding exon 28 of the POLE gene. The isoleucine at codon 1127 is replaced by phenylalanine, an amino acid with highly similar properties. This change occurs in the first base pair of coding exon 28. This amino acid position is conserved. In addition, the in silico prediction for this alteration is inconclusive. Since supporting evidence is limited at this time, the clinical significance of this alteration remains unclear.

Labcorp Genetics (formerly Invitae), Labcorp
Classification: Uncertain significance. Last evaluated: 2023-04-06. Review status: criteria provided, single submitter. Criteria: Invitae Variant Classification Sherloc (09022015). Collection method: clinical testing. Allele origin: germline.
Comment: This sequence change replaces isoleucine, which is neutral and non-polar, with phenylalanine, which is neutral and non-polar, at codon 1127 of the POLE protein (p.Ile1127Phe). This variant is not present in population databases (gnomAD no frequency). This variant has not been reported in the literature in individuals affected with POLE-related conditions. An algorithm developed to predict the effect of missense changes on protein structure and function (PolyPhen-2) suggests that this variant is likely to be disruptive. In summary, the available evidence is currently insufficient to determine the role of this variant in disease. Therefore, it has been classified as a Variant of Uncertain Significance.